The following is an entry in ClinVar:

NM_000075.4(CDK4):c.190G>A (p.Glu64Lys)

Genes: CDK4 (cyclin dependent kinase 4; minus strand), LOC130008148 (ATAC-STARR-seq lymphoblastoid silent region 4588; plus strand). Cytogenetic location: 12q14.1.
Variant type: single nucleotide variant.
Coding change: c.190G>A on transcript NM_000075.4 (MANE Select); coding-DNA position 190, G replaced by A.
Protein change: p.Glu64Lys; replaces glutamic acid 64 with lysine.
Molecular consequence: missense variant.
Genome position (GRCh38, 1-based): chr12:57,751,528, C>T on the plus strand (G>A on the coding strand, the complement: CDK4 is on the minus strand). VCF-style: chr12-57751528-C-T. GRCh37 (hg19) VCF-style: chr12-58145311-C-T.
Other names: short protein forms E64K.
Identifiers: ClinVar variation 1410660 (VCV001410660.6), dbSNP rs2140388188, ClinGen allele CA385548536.

ClinVar aggregate classification (germline): Uncertain significance (1 of 4 stars; one submission).

Conditions:
Familial melanoma. Also called: Hereditary melanoma; Hereditary cutaneous melanoma. Identifiers: Orphanet 618, MedGen C1512419, MONDO:0018961.

Submission:

Labcorp Genetics (formerly Invitae), Labcorp
Classification: Uncertain significance for Familial melanoma. Last evaluated: 2021-08-11. Review status: criteria provided, single submitter. Criteria: Invitae Variant Classification Sherloc (09022015). Collection method: clinical testing. Allele origin: germline.
Comment: In summary, the available evidence is currently insufficient to determine the role of this variant in disease. Therefore, it has been classified as a Variant of Uncertain Significance. Advanced modeling of protein sequence and biophysical properties (such as structural, functional, and spatial information, amino acid conservation, physicochemical variation, residue mobility, and thermodynamic stability) performed at Invitae indicates that this missense variant is not expected to disrupt CDK4 protein function. This variant has not been reported in the literature in individuals affected with CDK4-related conditions. This variant is not present in population databases (ExAC no frequency). This sequence change replaces glutamic acid with lysine at codon 64 of the CDK4 protein (p.Glu64Lys). The glutamic acid residue is moderately conserved and there is a small physicochemical difference between glutamic acid and lysine.